The following is an entry in ClinVar:

NM_000194.3(HPRT1):c.556_557del (p.Lys186fs)

Gene: HPRT1 (hypoxanthine phosphoribosyltransferase 1; plus strand). Cytogenetic location: Xq26.2.
Variant type: Deletion.
Coding change: c.556_557del on transcript NM_000194.3 (MANE Select); coding-DNA positions 556 to 557, 2 bases deleted (AA; older notation c.556_557delAA).
Protein change: p.Lys186fs; shifts the reading frame from lysine 186.
Molecular consequence: frameshift variant.
Genome position (GRCh38, 1-based): chrX:134,498,631-134,498,632, AA deleted. VCF-style (leftmost placement, unchanged base first): chrX-134498630-CAA-C. GRCh37 (hg19) VCF-style: chrX-133632660-CAA-C.
Other names: short protein forms K186fs.
Identifiers: ClinVar variation 1456809 (VCV001456809.6), dbSNP rs2124305315, ClinGen allele CA2573159285.

ClinVar aggregate classification (germline): Pathogenic (1 of 4 stars; one submission).

Conditions:
Lesch-Nyhan syndrome (LNS). Also called: Lesch-Nyhan Disease (LND); HPRT DEFICIENCY, COMPLETE. Identifiers: Orphanet 510, MedGen C0023374, MONDO:0010298, OMIM 300322.
Partial hypoxanthine-guanine phosphoribosyltransferase deficiency. Also called: HYPOXANTHINE GUANINE PHOSPHORIBOSYLTRANSFERASE 1 DEFICIENCY, PARTIAL; GOUT, HPRT-RELATED; Kelley-Seegmiller Syndrome; HPRT DEFICIENCY, PARTIAL; HPRT1 DEFICIENCY, PARTIAL. Identifiers: Orphanet 79233, MedGen C0268117, MONDO:0010299, OMIM 300323.

Submission:

Labcorp Genetics (formerly Invitae), Labcorp
Classification: Pathogenic for Lesch-Nyhan syndrome; Partial hypoxanthine-guanine phosphoribosyltransferase deficiency. Last evaluated: 2021-10-27. Review status: criteria provided, single submitter. Criteria: Invitae Variant Classification Sherloc (09022015). Collection method: clinical testing. Allele origin: germline.
Comment: For these reasons, this variant has been classified as Pathogenic. This variant disrupts a region of the HPRT1 protein in which other variant(s) (p.His204Tyr) have been determined to be pathogenic (PMID: 9799086; Invitae). This suggests that this is a clinically significant region of the protein, and that variants that disrupt it are likely to be disease-causing. This variant has not been reported in the literature in individuals affected with HPRT1-related conditions. This variant is not present in population databases (gnomAD no frequency). This sequence change creates a premature translational stop signal (p.Lys186Valfs*8) in the HPRT1 gene. While this is not anticipated to result in nonsense mediated decay, it is expected to disrupt the last 33 amino acid(s) of the HPRT1 protein.

Literature cited by the submitters: PubMed 9799086.